The following is an entry in ClinVar:

NM_000051.4(ATM):c.7195C>T (p.Gln2399Ter)

Genes: ATM (ATM serine/threonine kinase; plus strand), C11orf65 (chromosome 11 open reading frame 65; minus strand). Cytogenetic location: 11q22.3.
Variant type: single nucleotide variant.
Coding change: c.7195C>T on transcript NM_000051.4 (MANE Select); coding-DNA position 7195, C replaced by T.
Protein change: p.Gln2399Ter; replaces glutamine 2399 with a stop codon.
Molecular consequence: nonsense. On other transcripts: intron variant (2).
Genome position (GRCh38, 1-based): chr11:108,329,126, C>T. VCF-style: chr11-108329126-C-T. GRCh37 (hg19) VCF-style: chr11-108199853-C-T.
Other names: c.7195C>T, p.Gln2399Ter (NM_001351834.2); c.641-20055G>A (NM_001330368.2); c.*38+6094G>A (NM_001351110.2); short protein forms Q2399*.
Identifiers: ClinVar variation 1427072 (VCV001427072.7), dbSNP rs2085985186, ClinGen allele CA382559601.

ClinVar aggregate classification (germline): Pathogenic. Review status: criteria provided, multiple submitters, no conflicts (2 of 4 stars). 3 submissions from 3 submitters: Pathogenic (2). 1 of the submissions does not count toward it. Last evaluated 2024-01-31.

Conditions:
Familial cancer of breast. Also called: BREAST CANCER, FAMILIAL; Hereditary breast cancer; hereditary breast carcinoma. Identifiers: Orphanet 227535, MedGen C0346153, MONDO:0016419, OMIM 114480. Disease mechanism: loss of function.
Malignant tumor of urinary bladder. Also called: Bladder cancer; Urinary Bladder Neoplasms; Urinary bladder cancer. Identifiers: MedGen C0005684, MONDO:0001187, OMIM 109800.
Ataxia-telangiectasia syndrome (AT). Also called: Ataxia-telangiectasia; LOUIS-BAR SYNDROME; Ataxia-telangiectasia, complementation group D; AT, COMPLEMENTATION GROUP C; ATAXIA-TELANGIECTASIA, COMPLEMENTATION GROUP A; ATAXIA-TELANGIECTASIA, FRESNO VARIANT. Identifiers: Orphanet 100, MedGen C0004135, MONDO:0008840, OMIM 208900.

Submissions (3):

Myriad Genetics, Inc.
Classification: Pathogenic for Familial cancer of breast. Last evaluated: 2024-01-31. Review status: criteria provided, single submitter. Criteria: Myriad Autosomal Dominant, Autosomal Recessive and X-Linked Classification Criteria (2023). Collection method: clinical testing. Allele origin: unknown.
Comment: This variant is considered pathogenic. This variant creates a termination codon and is predicted to result in premature protein truncation.

Labcorp Genetics (formerly Invitae), Labcorp
Classification: Pathogenic for Ataxia-telangiectasia syndrome. Last evaluated: 2021-03-02. Review status: criteria provided, single submitter. Criteria: Invitae Variant Classification Sherloc (09022015). Collection method: clinical testing. Allele origin: germline.
Comment: This variant is not present in population databases (ExAC no frequency). For these reasons, this variant has been classified as Pathogenic. This variant has not been reported in the literature in individuals with ATM-related conditions. This sequence change creates a premature translational stop signal (p.Gln2399*) in the ATM gene. It is expected to result in an absent or disrupted protein product. Loss-of-function variants in ATM are known to be pathogenic (PMID: 23807571, 25614872).

Laboratory of Urology, Hospital Clinic de Barcelona
Classification: Pathogenic for Malignant tumor of urinary bladder. Review status: no assertion criteria provided. Collection method: research. Allele origin: somatic. Affected: yes. Not counted in ClinVar's aggregate classification.

Literature cited by the submitters: PubMed 23807571 (cited by Labcorp Genetics (formerly Invitae), Labcorp); PubMed 25614872 (cited by Labcorp Genetics (formerly Invitae), Labcorp).